The following is an entry in ClinVar:

NM_002074.5(GNB1):c.301A>G (p.Met101Val)

Gene: GNB1 (G protein subunit beta 1; minus strand). Cytogenetic location: 1p36.33.
Variant type: single nucleotide variant.
Coding change: c.301A>G on transcript NM_002074.5 (MANE Select); coding-DNA position 301, A replaced by G.
Protein change: p.Met101Val; replaces methionine 101 with valine.
Molecular consequence: missense variant. On other transcripts: initiator codon variant (1).
Genome position (GRCh38, 1-based): chr1:1,804,548, T>C on the plus strand (A>G on the coding strand, the complement: GNB1 is on the minus strand). VCF-style: chr1-1804548-T-C. GRCh37 (hg19) VCF-style: chr1-1735987-T-C.
Other names: c.1A>G (NM_001282538.1); c.1A>G, p.Met1Val (NM_001282538.2); c.301A>G, p.Met101Val (NM_001282539.2); short protein forms M101V, M1V.
Identifiers: ClinVar variation 224717 (VCV000224717.15), dbSNP rs869312825, ClinGen allele CA353592.
Genomic context (GRCh38, chr1:1,804,548, plus strand): 5'-AAATGTTATCCAGGCCACCGCAGGCCACATAGTTCCCAGAAGGGGCATATGCACAGGTCA[T>C]GACCCAGGAGGAGCGCAGAGGGATGGCGTGGACCTAATGACAGAAAGACAGATGATGCAA-3'
Protein context (NP_002065.1, residues 91-111): HAIPLRSSWV[Met101Val]TCAYAPSGNY

ClinVar aggregate classification (germline): Pathogenic. Review status: criteria provided, multiple submitters, no conflicts (2 of 4 stars). 9 submissions from 9 submitters: Pathogenic (5). 4 of the submissions do not count toward it. Last evaluated 2024-11-18.

Conditions:
Intellectual developmental disorder, autosomal dominant 42. Also called: GNB1 Encephalopathy; Intellectual disability, autosomal dominant 42; Global developmental delay-neuro-ophthalmological abnormalities-seizures-intellectual disability syndrome. Identifiers: Orphanet 488613, MedGen C4310774, MONDO:0014855, OMIM 616973.
Neurodevelopmental Disability.
Seizure. Also called: Seizures. Identifiers: MedGen C0036572, HP:0001250.
Hypotonia. Also called: poor muscle tone; Muscular hypotonia. Identifiers: MedGen C0026827, HP:0001252.
Expressive language delay. Identifiers: MedGen C0454641, HP:0002474.
EEG with generalized epileptiform discharges. Identifiers: MedGen C4023476, HP:0011198.
Bilateral tonic-clonic seizure. Also called: Generalized tonic-clonic seizures. Identifiers: MedGen C0494475, HP:0002069.
Intellectual disability. Also called: Intellectual functioning disability; intellectual disabilities; Intellectual developmental disorder. Identifiers: MedGen C3714756, MeSH D008607, MONDO:0001071, HP:0001249.
Focal impaired awareness seizure. Also called: Focal seizures with impairment of consciousness or awareness. Identifiers: MedGen C0270834, HP:0002384.
Multifocal epileptiform discharges. Identifiers: MedGen C4021219, HP:0010841.
Developmental regression. Also called: C1836830. Identifiers: MedGen C1836830, HP:0002376.
Global developmental delay (DD). Also called: Cognitive delay. Identifiers: MedGen C0557874, HP:0001263. Disease mechanism: loss of function.

Submissions (9):

GeneDx
Classification: Pathogenic. Last evaluated: 2024-11-18. Review status: criteria provided, single submitter. Criteria: GeneDx Variant Classification Process June 2021. Collection method: clinical testing. Allele origin: germline. Affected: yes.
Comment: Published functional studies demonstrate a damaging effect with significantly reduced plasma membrane expression (PMID: 34522861); In silico analysis supports that this missense variant has a deleterious effect on protein structure/function; Not observed at significant frequency in large population cohorts (gnomAD); This variant is associated with the following publications: (PMID: 27108799, 30194818, 34646230, 36324816, 32134617, 38596856, 35599849, 34522861)

Labcorp Genetics (formerly Invitae), Labcorp
Classification: Pathogenic. Last evaluated: 2024-02-08. Review status: criteria provided, single submitter. Criteria: Invitae Variant Classification Sherloc (09022015). Collection method: clinical testing. Allele origin: germline.
Comment: This sequence change replaces methionine, which is neutral and non-polar, with valine, which is neutral and non-polar, at codon 101 of the GNB1 protein (p.Met101Val). This variant is not present in population databases (gnomAD no frequency). This missense change has been observed in individual(s) with intellectual disability (PMID: 27108799). In at least one individual the variant was observed to be de novo. ClinVar contains an entry for this variant (Variation ID: 224717). Advanced modeling of protein sequence and biophysical properties (such as structural, functional, and spatial information, amino acid conservation, physicochemical variation, residue mobility, and thermodynamic stability) performed at Invitae indicates that this missense variant is expected to disrupt GNB1 protein function with a positive predictive value of 80%. For these reasons, this variant has been classified as Pathogenic.

Baylor Genetics
Classification: Pathogenic for Intellectual developmental disorder, autosomal dominant 42. Last evaluated: 2022-07-16. Review status: criteria provided, single submitter. Criteria: ACMG Guidelines, 2015. Collection method: clinical testing. Allele origin: unknown.

Molecular Genetics Laboratory, BC Children's and BC Women's Hospitals
Classification: Pathogenic for Intellectual developmental disorder, autosomal dominant 42. Last evaluated: 2018-02-21. Review status: criteria provided, single submitter. Criteria: ACMG Guidelines, 2015. Collection method: clinical testing. Allele origin: de novo. Affected: yes.

Wangler Lab, Baylor College of Medicine
Classification: Pathogenic for Intellectual developmental disorder, autosomal dominant 42. Review status: criteria provided, single submitter. Criteria: ACMG Guidelines, 2015. Collection method: clinical testing. Allele origin: de novo. Inheritance: Autosomal dominant inheritance. Affected: yes. Observed: 1 heterozygote.
Comment: This missense GNB1 variant at c.301A>G(p.M101V) was discovered on exome through the Texome Project (R01HG011795). It was reported in individuals with Intellectual developmental disorder, autosomal dominant 42 (PMID:27108799, 30194818) (PS4). This variant has not been observed in gnomAD (PM2). The variant was de novo (PS2). We classify this variant as pathogenic.

OMIM
Classification: Pathogenic for INTELLECTUAL DEVELOPMENTAL DISORDER, AUTOSOMAL DOMINANT 42. Last evaluated: 2021-11-02. Review status: no assertion criteria provided. Collection method: literature only. Allele origin: germline. Not counted in ClinVar's aggregate classification.

University of Washington Center for Mendelian Genomics, University of Washington
Classification: Likely pathogenic for Neurodevelopmental Disability; Hypotonia; Seizures. Last evaluated: 2016-05-05. Review status: no assertion criteria provided. Collection method: research. Allele origin: unknown. Affected: yes. Observed: 2 heterozygotes. Not counted in ClinVar's aggregate classification.

Genomics And Bioinformatics Analysis Resource, Columbia University
Classification: Pathogenic for Global developmental delay; Hypotonia; Seizure; Multifocal epileptiform discharges; Expressive language delay; Intellectual disability; Developmental regression; EEG with generalized epileptiform discharges; Focal impaired awareness seizure; Bilateral tonic-clonic seizure. Last evaluated: 2016-02-10. Review status: no assertion criteria provided. Collection method: research. Allele origin: de novo. Affected: yes. Observed: 2 variant alleles. Not counted in ClinVar's aggregate classification.

GeneReviews
No classification provided. Condition: Intellectual developmental disorder, autosomal dominant 42. Review status: no classification provided. Collection method: literature only. Allele origin: germline. Not counted in ClinVar's aggregate classification.

Literature cited by the submitters: PubMed 27108799 (cited by 6 submitters); PubMed 30194818 (cited by Wangler Lab, Baylor College of Medicine); PubMed 32134617 (cited by GeneReviews).